The following is an entry in ClinVar:

ClinVar aggregate classification (germline): Uncertain significance (1 of 4 stars; one submission).

Conditions:
Nephrotic syndrome, type 20. Identifiers: MedGen C5193011, MONDO:0026726, OMIM 301028.

Allele frequency attached by ClinVar (database versions not stated): ExAC 0.00001; gnomAD exomes 0.00001; gnomAD 0.00002; 1000 Genomes Project 30x 0.00021; 1000 Genomes Project 0.00026.
gnomAD v4.1: 8 of 1,163,343 alleles (0.00069%); highest among the groups gnomAD compares: South Asian, 0.016%; no homozygotes.

Submission:

Neuberg Centre For Genomic Medicine, NCGM
Classification: Uncertain significance for Nephrotic syndrome, type 20. Review status: criteria provided, single submitter. Criteria: ACMG Guidelines, 2015. Collection method: clinical testing. Allele origin: germline. Inheritance: X-linked inheritance. Affected: yes.
Comment: The missense variant c.245C>A (p.Ala82Asp) in TBC1D8B gene has not been reported previously as a pathogenic variant nor as a benign variant, to our knowledge. The p.Ala82Asp variant is novel (not in any individuals) in gnomAD Exomes and 1000 Genomes. The amino acid Ala at position 82 is changed to a Asp changing protein sequence and it might alter its composition and physico-chemical properties. The variant is predicted to be damaging by both SIFT and PolyPhen2. The residue is conserved across species. The amino acid change p.Ala82Asp in TBC1D8B is predicted as conserved by GERP++ and PhyloP across 100 vertebrates. For these reasons, this variant has been classified as Uncertain Significance.

NM_017752.3(TBC1D8B):c.245C>A (p.Ala82Asp)

Gene: TBC1D8B (TBC1 domain family member 8B; plus strand). Cytogenetic location: Xq22.3.
Variant type: single nucleotide variant.
Coding change: c.245C>A on transcript NM_017752.3 (MANE Select); coding-DNA position 245, C replaced by A.
Protein change: p.Ala82Asp; replaces alanine 82 with aspartic acid.
Molecular consequence: missense variant.
Genome position (GRCh38, 1-based): chrX:106,820,880, C>A. VCF-style: chrX-106820880-C-A. GRCh37 (hg19) VCF-style: chrX-106064110-C-A.
Other names: c.245C>A, p.Ala82Asp (NM_198881.2); short protein forms A82D.
Identifiers: ClinVar variation 2585262 (VCV002585262.1), dbSNP rs756459601, ClinGen allele CA10482930.